The following is an entry in ClinVar:

NM_001190737.2(NFIB):c.1133C>T (p.Pro378Leu)

Gene: NFIB (nuclear factor I B; minus strand). Cytogenetic location: 9p23.
Variant type: single nucleotide variant.
Coding change: c.1133C>T on transcript NM_001190737.2 (MANE Select); coding-DNA position 1133, C replaced by T.
Protein change: p.Pro378Leu; replaces proline 378 with leucine.
Molecular consequence: missense variant. On other transcripts: non-coding transcript variant (4).
Genome position (GRCh38, 1-based): chr9:14,120,552, G>A on the plus strand (C>T on the coding strand, the complement: NFIB is on the minus strand). VCF-style: chr9-14120552-G-A. GRCh37 (hg19) VCF-style: chr9-14120551-G-A.
Other names: c.1211C>T, p.Pro404Leu (NM_001190738.2); c.377C>T, p.Pro126Leu (NM_001282787.2); c.1199C>T, p.Pro400Leu (NM_001369458.1, NM_001369459.1, NM_001369462.1 and 1 more transcripts); c.1121C>T, p.Pro374Leu (NM_001369460.1, NM_001369463.1, NM_001369466.1 and 1 more transcripts); c.1133C>T, p.Pro378Leu (NM_001369461.1, NM_001369464.1, NM_001429577.1 and 1 more transcripts); c.1106C>T, p.Pro369Leu (NM_001369465.1, NM_001369467.1, NM_001369476.1); c.989C>T, p.Pro330Leu (NM_001369469.1); c.896C>T, p.Pro299Leu (NM_001369470.1, NM_001369478.1); and 6 more; short protein forms P126L, P199L, P299L, P303L, P330L, P359L, P369L, P372L.
Identifiers: ClinVar variation 3906668 (VCV003906668.1).

ClinVar aggregate classification (germline): Uncertain significance (1 of 4 stars; one submission).

Submission:

GeneDx
Classification: Uncertain significance. Last evaluated: 2024-12-18. Review status: criteria provided, single submitter. Criteria: GeneDx Variant Classification Process June 2021. Collection method: clinical testing. Allele origin: germline. Affected: yes.
Comment: Not observed at significant frequency in large population cohorts (gnomAD); In silico analysis supports that this missense variant has a deleterious effect on protein structure/function; Has not been previously published as pathogenic or benign to our knowledge